The following is an entry in ClinVar:

ClinVar aggregate classification (germline): Uncertain significance (1 of 4 stars; one submission).

Conditions:
Microcephaly-intellectual disability-sensorineural hearing loss-epilepsy-abnormal muscle tone syndrome (NEDHSB). Also called: NEURODEVELOPMENTAL DISORDER WITH HEARING LOSS, SEIZURES, AND BRAIN ABNORMALITIES. Identifiers: Orphanet 457351, MedGen C4225276, MONDO:0014698, OMIM 616577.

gnomAD v4.1: 2 of 1,613,908 alleles (0.00012%); highest among the groups gnomAD compares: East Asian, 0.0045%; no homozygotes.

Submission:

Labcorp Genetics (formerly Invitae), Labcorp
Classification: Uncertain significance for Microcephaly-intellectual disability-sensorineural hearing loss-epilepsy-abnormal muscle tone syndrome. Last evaluated: 2022-09-01. Review status: criteria provided, single submitter. Criteria: Invitae Variant Classification Sherloc (09022015). Collection method: clinical testing. Allele origin: germline.
Comment: In summary, the available evidence is currently insufficient to determine the role of this variant in disease. Therefore, it has been classified as a Variant of Uncertain Significance. Variants that disrupt the consensus splice site are a relatively common cause of aberrant splicing (PMID: 17576681, 9536098). Algorithms developed to predict the effect of sequence changes on RNA splicing suggest that this variant may disrupt the consensus splice site. Algorithms developed to predict the effect of missense changes on protein structure and function are either unavailable or do not agree on the potential impact of this missense change (SIFT: "Deleterious"; PolyPhen-2: "Probably Damaging"; Align-GVGD: "Class C0"). ClinVar contains an entry for this variant (Variation ID: 864824). This variant has not been reported in the literature in individuals affected with SPATA5-related conditions. This variant is present in population databases (no rsID available, gnomAD 0.02%). This sequence change replaces glutamic acid, which is acidic and polar, with aspartic acid, which is acidic and polar, at codon 835 of the SPATA5 protein (p.Glu835Asp). This variant also falls at the last nucleotide of exon 15, which is part of the consensus splice site for this exon.

Literature cited by the submitters: PubMed 17576681; PubMed 9536098.

NM_145207.3(AFG2A):c.2505G>C (p.Glu835Asp)

Gene: AFG2A (AAA ATPase AFG2A; plus strand). Cytogenetic location: 4q28.1.
Variant type: single nucleotide variant.
Coding change: c.2505G>C on transcript NM_145207.3 (MANE Select); coding-DNA position 2505, G replaced by C.
Protein change: p.Glu835Asp; replaces glutamic acid 835 with aspartic acid.
Molecular consequence: missense variant.
Genome position (GRCh38, 1-based): chr4:123,256,180, G>C. VCF-style: chr4-123256180-G-C. GRCh37 (hg19) VCF-style: chr4-124177335-G-C.
Other names: c.2502G>C, p.Glu834Asp (NM_001345856.2); short protein forms E834D, E835D.
Identifiers: ClinVar variation 864824 (VCV000864824.5), dbSNP rs765553109, ClinGen allele CA358230858.